The following is an entry in ClinVar:

NM_004380.3(CREBBP):c.4666C>G (p.Leu1556Val)

Gene: CREBBP (CREB binding lysine acetyltransferase; minus strand). Cytogenetic location: 16p13.3.
Variant type: single nucleotide variant.
Coding change: c.4666C>G on transcript NM_004380.3 (MANE Select); coding-DNA position 4666, C replaced by G.
Protein change: p.Leu1556Val; replaces leucine 1556 with valine.
Molecular consequence: missense variant.
Genome position (GRCh38, 1-based): chr16:3,736,098, G>C on the plus strand (C>G on the coding strand, the complement: CREBBP is on the minus strand). VCF-style: chr16-3736098-G-C. GRCh37 (hg19) VCF-style: chr16-3786099-G-C.
Other names: c.4666C>G (NM_004380.2); c.4552C>G, p.Leu1518Val (NM_001079846.1); short protein forms L1556V, L1518V.
Identifiers: ClinVar variation 1992379 (VCV001992379.2), dbSNP rs2548361979, ClinGen allele CA394562301.
Genomic context (GRCh38, chr16:3,736,098, plus strand): 5'-CAGTGGTTTCACTGGCTGCAGTGCTCTCTTCCTTTTTCCTCTCCTCTTCTTCTTGTTCTA[G>C]TTCCTTAATGCTCTCTTCTAACACATTGGGCCAGAAATCACCTTCAAAATAGGGCAGTTC-3'
Protein context (NP_004371.2, residues 1546-1566): PNVLEESIKE[Leu1556Val]EQEEEERKKE

ClinVar aggregate classification (germline): Uncertain significance. Review status: criteria provided, multiple submitters, no conflicts (2 of 4 stars). 2 submissions from 2 submitters: Uncertain significance (2). Last evaluated 2026-01-26.

Conditions:
Rubinstein-Taybi syndrome due to CREBBP mutations (RSTS1). Also called: CREBBP-Related Rubinstein-Taybi Syndrome; RUBINSTEIN-TAYBI SYNDROME 1, INCOMPLETE; BROAD THUMB-HALLUX SYNDROME; RUBINSTEIN SYNDROME; Rubinstein-Taybi syndrome 1; BROAD THUMBS AND GREAT TOES, CHARACTERISTIC FACIES, AND IMPAIRED INTELLECTUAL DEVELOPMENT. Identifiers: Orphanet 353277, Orphanet 783, MedGen C4551859, MONDO:0008393, OMIM 180849.
CREBBP-related disorder. Also called: CREBBP-related disorders; CREBBP-related condition.

Submissions (2):

PreventionGenetics, part of Exact Sciences
Classification: Uncertain significance for CREBBP-related condition. Last evaluated: 2026-01-26. Review status: criteria provided, single submitter. Criteria: ACMG Guidelines, 2015. Collection method: clinical testing. Allele origin: germline.
Comment: The CREBBP c.4666C>G variant is predicted to result in the amino acid substitution p.Leu1556Val. To our knowledge, this variant has not been reported in the literature or in a large population database (gnomAD), indicating this variant is rare. At this time, the clinical significance of this variant is uncertain due to the absence of conclusive functional and genetic evidence.

MVZ Martinsried, Medicover Genetics
Classification: Uncertain significance for Rubinstein-Taybi syndrome due to CREBBP mutations. Last evaluated: 2022-03-23. Review status: criteria provided, single submitter. Criteria: ACGS Guidelines, 2020. Collection method: clinical testing. Allele origin: unknown. Affected: yes.